The following is an entry in ClinVar:

NM_001035.3(RYR2):c.4430A>G (p.His1477Arg)

Gene: RYR2 (ryanodine receptor 2; plus strand). Cytogenetic location: 1q43.
Variant type: single nucleotide variant.
Coding change: c.4430A>G on transcript NM_001035.3 (MANE Select); coding-DNA position 4430, A replaced by G.
Protein change: p.His1477Arg; replaces histidine 1477 with arginine.
Molecular consequence: missense variant.
Genome position (GRCh38, 1-based): chr1:237,593,630, A>G. VCF-style: chr1-237593630-A-G. GRCh37 (hg19) VCF-style: chr1-237756930-A-G.
Other names: short protein forms H1477R.
Identifiers: ClinVar variation 2977164 (VCV002977164.6), dbSNP rs1461139776, ClinGen allele CA345400008.

ClinVar aggregate classification (germline): Uncertain significance. Review status: criteria provided, multiple submitters, no conflicts (2 of 4 stars). 3 submissions from 3 submitters: Uncertain significance (3). Last evaluated 2024-06-11.

Conditions:
Catecholaminergic polymorphic ventricular tachycardia 1. Also called: VENTRICULAR TACHYCARDIA, CATECHOLAMINERGIC POLYMORPHIC, 1, WITH OR WITHOUT ATRIAL DYSFUNCTION AND/OR DILATED CARDIOMYOPATHY; RYR2-Related Catecholaminergic Polymorphic Ventricular Tachycardia; VENTRICULAR TACHYCARDIA, STRESS-INDUCED POLYMORPHIC 1. Identifiers: Orphanet 3286, MedGen C1631597, MONDO:0011484, OMIM 604772.
Ventricular arrhythmias due to cardiac ryanodine receptor calcium release deficiency syndrome. Also called: Autosomal dominant cardiac arrhythmia (Kuhn). Identifiers: MedGen C5542154, MONDO:0020745, OMIM 115000.
Catecholaminergic polymorphic ventricular tachycardia (CVPT). Also called: Catecholamine-induced polymorphic ventricular tachycardia. Identifiers: Orphanet 3286, MedGen C5574922, MONDO:0017990.

Allele frequency attached by ClinVar (database versions not stated): gnomAD 0.00001; TOPMed 0.00001.
gnomAD v4.1: 3 of 1,613,684 alleles (0.00019%); highest among the groups gnomAD compares: East Asian, 0.0022%; no homozygotes.

Submissions (3):

All of Us Research Program, National Institutes of Health
Classification: Uncertain significance for Catecholaminergic polymorphic ventricular tachycardia. Last evaluated: 2024-06-11. Review status: criteria provided, single submitter. Criteria: ACMG Guidelines, 2015. Collection method: clinical testing. Allele origin: germline. Inheritance: Autosomal dominant inheritance. Observed: 1 variant allele, 1 heterozygote.
Comment: This study involves interpretation of variants in research participants for the purpose of population health screening. Participant phenotype was not available at the time of variant classification. Additional details can be found in publication PMID: 35346344, PMCID: PMC8962531

Labcorp Genetics (formerly Invitae), Labcorp
Classification: Uncertain significance for Catecholaminergic polymorphic ventricular tachycardia 1. Last evaluated: 2023-11-15. Review status: criteria provided, single submitter. Criteria: Invitae Variant Classification Sherloc (09022015). Collection method: clinical testing. Allele origin: germline.
Comment: This sequence change replaces histidine, which is basic and polar, with arginine, which is basic and polar, at codon 1477 of the RYR2 protein (p.His1477Arg). This variant is not present in population databases (gnomAD no frequency). This variant has not been reported in the literature in individuals affected with RYR2-related conditions. Advanced modeling of protein sequence and biophysical properties (such as structural, functional, and spatial information, amino acid conservation, physicochemical variation, residue mobility, and thermodynamic stability) performed at Invitae indicates that this missense variant is not expected to disrupt RYR2 protein function with a negative predictive value of 95%. In summary, the available evidence is currently insufficient to determine the role of this variant in disease. Therefore, it has been classified as a Variant of Uncertain Significance.

Juno Genomics, Hangzhou Juno Genomics, Inc
Classification: Uncertain significance for Ventricular arrhythmias due to cardiac ryanodine receptor calcium release deficiency syndrome; Catecholaminergic polymorphic ventricular tachycardia 1. Review status: criteria provided, single submitter. Criteria: ACMG Guidelines, 2015. Collection method: clinical testing. Allele origin: germline. Affected: yes.
Comment: Absent from controls (or at extremely low frequency if recessive) in Genome Aggregation Database, Exome Sequencing Project, 1000 Genomes Project, or Exome Aggregation Consortium.;Missense variant in a gene that has a low rate of benign missense variation and where missense variants are a common mechanism of disease.;Patient's phenotype or family history is highly specific for a disease with a single genetic etiology.